The following is an entry in ClinVar:

NM_000038.6(APC):c.1408+806T>C

Gene: APC (APC regulator of WNT signaling pathway; plus strand). Cytogenetic location: 5q22.2.
Variant type: single nucleotide variant.
Coding change: c.1408+806T>C on transcript NM_000038.6 (MANE Select); 806 bases into the intron after coding-DNA position 1408, T replaced by C.
Molecular consequence: intron variant.
Genome position (GRCh38, 1-based): chr5:112,822,797, T>C. VCF-style: chr5-112822797-T-C. GRCh37 (hg19) VCF-style: chr5-112158494-T-C.
Other names: c.1408+806T>C (NM_001354895.2, NM_001127510.3); c.1438+806T>C (NM_001354897.2); c.1135+806T>C (NM_001354902.2); c.1354+806T>C (NM_001127511.3); c.1333+806T>C (NM_001354898.2); c.1030+806T>C (NM_001354904.2); c.559+806T>C (NM_001354906.2); c.1409-510T>C (NM_001354896.2); and 5 more.
Identifiers: ClinVar variation 83137 (VCV000083137.2), dbSNP rs78475274, ClinGen allele CA004969.

ClinVar aggregate classification (germline): other (0 of 4 stars; one submission).

Conditions:
Familial colorectal cancer. Identifiers: MedGen CN280943, MONDO:0023113. Disease mechanism: loss of function.

Submission:

Systems Biology Platform Zhejiang California International NanoSystems Institute
Classification: other for Familial colorectal cancer. Review status: no assertion criteria provided. Collection method: not provided. Allele origin: unknown.
ClinVar note: Converted during submission from cancer to other.